The following is an entry in ClinVar:

NM_001184.4(ATR):c.4383-47A>G

Gene: ATR (ATR checkpoint kinase; minus strand). Cytogenetic location: 3q23.
Variant type: single nucleotide variant.
Coding change: c.4383-47A>G on transcript NM_001184.4 (MANE Select); 47 bases into the intron before coding-DNA position 4383, A replaced by G.
Molecular consequence: intron variant.
Genome position (GRCh38, 1-based): chr3:142,515,562, T>C on the plus strand (A>G on the coding strand, the complement: ATR is on the minus strand). VCF-style: chr3-142515562-T-C. GRCh37 (hg19) VCF-style: chr3-142234404-T-C.
Other names: c.4191-47A>G (NM_001354579.2).
Identifiers: ClinVar variation 157986 (VCV000157986.11), dbSNP rs58348002, ClinGen allele CA171362.

ClinVar aggregate classification (germline): Benign/Likely benign. Review status: criteria provided, multiple submitters, no conflicts (2 of 4 stars). 4 submissions from 4 submitters: Benign (2); Likely benign (1). 1 of the submissions does not count toward it. Last evaluated 2023-07-07.

Conditions:
Familial cutaneous telangiectasia and oropharyngeal predisposition cancer syndrome. Identifiers: Orphanet 313846, MedGen C3281203, MONDO:0013806, OMIM 614564.

Allele frequency attached by ClinVar (database versions not stated): gnomAD 0.04207 and 0.04498; 1000 Genomes Project 0.04872; 1000 Genomes Project 30x 0.05278; gnomAD exomes 0.01036; ExAC 0.01414; ESP Exome Variant Server 0.04338; TOPMed 0.04503.
gnomAD v4.1: 12,149 of 1,542,374 alleles (0.79%); highest among the groups gnomAD compares: African/African-American, 15%; 810 homozygotes.

Submissions (4):

KCCC/NGS Laboratory, Kuwait Cancer Control Center
Classification: Likely benign for Familial cutaneous telangiectasia and oropharyngeal predisposition cancer syndrome. Last evaluated: 2023-07-07. Review status: criteria provided, single submitter. Criteria: ACMG Guidelines, 2015. Collection method: clinical testing. Allele origin: germline. Affected: yes.

GeneDx
Classification: Benign. Last evaluated: 2018-07-17. Review status: criteria provided, single submitter. Criteria: GeneDx Variant Classification Process June 2021. Collection method: clinical testing. Allele origin: germline. Affected: yes.

Breakthrough Genomics
Classification: Benign. Review status: criteria provided, single submitter. Criteria: ACMG Guidelines, 2015. Collection method: not provided. Allele origin: germline. Inheritance: Autosomal recessive inheritance. Affected: yes.

Genetic Services Laboratory, University of Chicago
Classification: Likely benign. Review status: no assertion criteria provided. Collection method: clinical testing. Allele origin: germline. Inheritance: Autosomal recessive inheritance. Not counted in ClinVar's aggregate classification.
Comment: Likely benign based on allele frequency in 1000 Genomes Project or ESP global frequency and its presence in a patient with a rare or unrelated disease phenotype. NOT Sanger confirmed